The following is an entry in ClinVar:

NM_004974.4(KCNA2):c.1070A>C (p.Gln357Pro)

Gene: KCNA2 (potassium voltage-gated channel subfamily A member 2; minus strand). Cytogenetic location: 1p13.3.
Variant type: single nucleotide variant.
Coding change: c.1070A>C on transcript NM_004974.4 (MANE Select); coding-DNA position 1070, A replaced by C.
Protein change: p.Gln357Pro; replaces glutamine 357 with proline.
Molecular consequence: missense variant. On other transcripts: intron variant (1).
Genome position (GRCh38, 1-based): chr1:110,603,713, T>G on the plus strand (A>C on the coding strand, the complement: KCNA2 is on the minus strand). VCF-style: chr1-110603713-T-G. GRCh37 (hg19) VCF-style: chr1-111146335-T-G.
Other names: c.894+176A>C (NM_001204269.2); short protein forms Q357P.
Identifiers: ClinVar variation 3067655 (VCV003067655.21), dbSNP rs2524617030, ClinGen allele CA341602034.
Genomic context (GRCh38, chr1:110,603,713, plus strand): 5'-TAGCCTACAGTTGTCATGGAGACGACTGCCCACCAGAAGGCATCTGGGATGCTGGGGAAC[T>G]GGGACTCTCGCTCATCGGCCTCTGCAAAATACACAGCACTAGAGAAAAGGATGACCCCTA-3'
Protein context (NP_004965.1, residues 347-367): YFAEADERES[Gln357Pro]FPSIPDAFWW

ClinVar aggregate classification (germline): Uncertain significance (1 of 4 stars; one submission).

Submission:

CeGaT Center for Human Genetics Tuebingen
Classification: Uncertain significance. Last evaluated: 2024-03-01. Review status: criteria provided, single submitter. Criteria: CeGaT Center For Human Genetics Tuebingen Variant Classification Criteria Version 2. Collection method: clinical testing. Allele origin: germline. Affected: yes. Observed: 1 variant allele.
Comment: KCNA2: PM2, PP2